The following is an entry in ClinVar:

NM_025074.7(FRAS1):c.2517G>C (p.Gly839=)

Gene: FRAS1 (Fraser extracellular matrix complex subunit 1; plus strand). Cytogenetic location: 4q21.21.
Variant type: single nucleotide variant.
Coding change: c.2517G>C on transcript NM_025074.7 (MANE Select); coding-DNA position 2517, G replaced by C.
Protein change: p.Gly839=; no amino-acid change (glycine 839 retained).
Molecular consequence: synonymous variant.
Genome position (GRCh38, 1-based): chr4:78,363,607, G>C. VCF-style: chr4-78363607-G-C. GRCh37 (hg19) VCF-style: chr4-79284761-G-C.
Other names: c.2517G>C, p.Gly839= (NM_001166133.2).
Identifiers: ClinVar variation 4993057 (VCV004993057.1).

ClinVar aggregate classification (germline): Likely benign (1 of 4 stars; one submission).

Conditions:
FRAS1-related disorder. Also called: FRAS1-related condition.

gnomAD v4.1: 9 of 1,607,838 alleles (0.00056%); highest among the groups gnomAD compares: Non-Finnish European, 0.00076%; no homozygotes.

Submission:

PreventionGenetics, part of Exact Sciences
Classification: Likely benign for FRAS1-related condition. Last evaluated: 2025-08-19. Review status: criteria provided, single submitter. Criteria: ACMG Guidelines, 2015. Collection method: clinical testing. Allele origin: germline.
Comment: This variant is classified as likely benign based on ACMG/AMP sequence variant interpretation guidelines (Richards et al. 2015 PMID: 25741868, with internal and published modifications).